The following is an entry in ClinVar:

NM_001384140.1(PCDH15):c.4368-2238_4368-2227del

Gene: PCDH15 (protocadherin related 15; minus strand). Cytogenetic location: 10q21.1.
Variant type: Deletion.
Coding change: c.4368-2238_4368-2227del on transcript NM_001384140.1 (MANE Select); 2238 bases into the intron before coding-DNA position 4368 through 2227 bases into the intron before coding-DNA position 4368, 12 bases deleted (TTTCTCCTCCTT).
Molecular consequence: intron variant. On other transcripts: inframe indel (9).
Genome position (GRCh38, 1-based): chr10:53,822,457-53,822,468, AAGGAGGAGAAA deleted on the plus strand (TTTCTCCTCCTT on the coding strand, the reverse complement: PCDH15 is on the minus strand). VCF-style (leftmost placement, unchanged base first): chr10-53822456-GAAGGAGGAGAAA-G. GRCh37 (hg19) VCF-style: chr10-55582216-GAAGGAGGAGAAA-G.
Other names: c.5279_5290del, p.Ile1760_Ser1764delinsThr (NM_001142763.2); c.5264_5275del, p.Ile1755_Ser1759delinsThr (NM_001142764.2); c.5051_5062del, p.Ile1684_Ser1688delinsThr (NM_001142765.2); c.5249_5260del, p.Ile1750_Ser1754delinsThr (NM_001142766.2); c.5138_5149del, p.Ile1713_Ser1717delinsThr (NM_001142767.2); c.5198_5209del, p.Ile1733_Ser1737delinsThr (NM_001142768.2); c.5189_5200del, p.Ile1730_Ser1734delinsThr (NM_001142773.2); c.5192_5203del, p.Ile1731_Ser1735delinsThr (NM_001354404.2); and 7 more.
Identifiers: ClinVar variation 1361122 (VCV001361122.5), dbSNP rs746591991, ClinGen allele CA5505087.

ClinVar aggregate classification (germline): Uncertain significance (1 of 4 stars; one submission).

Allele frequency attached by ClinVar (database versions not stated): gnomAD exomes below 0.00001 and 0.00001; ExAC 0.00001.

Submission:

Labcorp Genetics (formerly Invitae), Labcorp
Classification: Uncertain significance. Last evaluated: 2021-08-26. Review status: criteria provided, single submitter. Criteria: Invitae Variant Classification Sherloc (09022015). Collection method: clinical testing. Allele origin: germline.
Comment: This variant, c.5258_5269del, is a complex sequence change that results in the deletion of 5 and insertion of 1 amino acid(s) in the PCDH15 protein (p.Ile1753_Ser1757delinsThr). The frequency data for this variant in the population databases is considered unreliable, as metrics indicate poor data quality at this position in the ExAC database. This variant has not been reported in the literature in individuals affected with PCDH15-related conditions. Experimental studies and prediction algorithms are not available or were not evaluated, and the functional significance of this variant is currently unknown. In summary, the available evidence is currently insufficient to determine the role of this variant in disease. Therefore, it has been classified as a Variant of Uncertain Significance.